The following is an entry in ClinVar:

NM_001377458.1(CLCC1):c.1168G>A (p.Asp390Asn)

Gene: CLCC1 (chloride channel CLIC like 1; minus strand). Cytogenetic location: 1p13.3.
Variant type: single nucleotide variant.
Coding change: c.1168G>A on transcript NM_001377458.1 (MANE Select); coding-DNA position 1168, G replaced by A.
Protein change: p.Asp390Asn; replaces aspartic acid 390 with asparagine.
Molecular consequence: missense variant. On other transcripts: non-coding transcript variant (1).
Genome position (GRCh38, 1-based): chr1:108,937,292, C>T on the plus strand (G>A on the coding strand, the complement: CLCC1 is on the minus strand). VCF-style: chr1-108937292-C-T. GRCh37 (hg19) VCF-style: chr1-109479914-C-T.
Other names: c.1168G>A, p.Asp390Asn (NM_001048210.3, NM_001377459.1, NM_001377460.1 and 8 more transcripts); c.805G>A, p.Asp269Asn (NM_001278202.2); c.613G>A, p.Asp205Asn (NM_001278203.1); c.1066G>A, p.Asp356Asn (NM_001377469.1); c.877G>A, p.Asp293Asn (NM_001377470.1); c.1018G>A, p.Asp340Asn (NM_015127.5); short protein forms D205N, D293N, D340N, D269N, D356N, D390N.
Identifiers: ClinVar variation 3664007 (VCV003664007.2).

ClinVar aggregate classification (germline): Uncertain significance (1 of 4 stars; one submission).

Submission:

Labcorp Genetics (formerly Invitae), Labcorp
Classification: Uncertain significance. Last evaluated: 2024-08-30. Review status: criteria provided, single submitter. Criteria: Invitae Variant Classification Sherloc (09022015). Collection method: clinical testing. Allele origin: germline.
Comment: This sequence change replaces aspartic acid, which is acidic and polar, with asparagine, which is neutral and polar, at codon 390 of the CLCC1 protein (p.Asp390Asn). This variant is present in population databases (rs755641346, gnomAD 0.003%). This variant has not been reported in the literature in individuals affected with CLCC1-related conditions. An algorithm developed to predict the effect of missense changes on protein structure and function (PolyPhen-2) suggests that this variant is likely to be tolerated. In summary, the available evidence is currently insufficient to determine the role of this variant in disease. Therefore, it has been classified as a Variant of Uncertain Significance.